The following is an entry in ClinVar:

NM_004928.3(CFAP410):c.552C>T (p.Gly184=)

Gene: CFAP410 (cilia and flagella associated protein 410; minus strand). Cytogenetic location: 21q22.3.
Variant type: single nucleotide variant.
Coding change: c.552C>T on transcript NM_004928.3 (MANE Select); coding-DNA position 552, C replaced by T.
Protein change: p.Gly184=; no amino-acid change (glycine 184 retained).
Molecular consequence: synonymous variant.
Genome position (GRCh38, 1-based): chr21:44,330,913, G>A on the plus strand (C>T on the coding strand, the complement: CFAP410 is on the minus strand). VCF-style: chr21-44330913-G-A. GRCh37 (hg19) VCF-style: chr21-45750796-G-A.
Other names: c.549C>T, p.Gly183= (NM_001271440.2, NM_001271441.2); c.426C>T, p.Gly142= (NM_001271442.1); c.552C>T (NM_004928.2).
Identifiers: ClinVar variation 1159138 (VCV001159138.34), dbSNP rs138755532, ClinGen allele CA10053603.

ClinVar aggregate classification (germline): Likely benign. Review status: criteria provided, multiple submitters, no conflicts (2 of 4 stars). 4 submissions from 4 submitters: Likely benign (3). 1 of the submissions does not count toward it. Last evaluated 2026-01-26.

Conditions:
CFAP410-related disorder. Also called: CFAP410-related condition.

Allele frequency attached by ClinVar (database versions not stated): TOPMed 0.00028; gnomAD exomes 0.00031 and 0.00044; gnomAD 0.00046 and 0.00050; ExAC 0.00083; ESP Exome Variant Server 0.00085.
gnomAD v4.1: 510 of 1,591,100 alleles (0.032%); highest among the groups gnomAD compares: Non-Finnish European, 0.039%; 1 homozygote.

Submissions (4):

Labcorp Genetics (formerly Invitae), Labcorp
Classification: Likely benign. Last evaluated: 2026-01-26. Review status: criteria provided, single submitter. Criteria: Invitae Variant Classification Sherloc (09022015). Collection method: clinical testing. Allele origin: germline.

Blueprint Genetics
Classification: Likely benign. Last evaluated: 2024-11-04. Review status: criteria provided, single submitter. Criteria: ACMG Guidelines, 2015. Collection method: clinical testing. Allele origin: germline.

CeGaT Center for Human Genetics Tuebingen
Classification: Likely benign. Last evaluated: 2023-01-01. Review status: criteria provided, single submitter. Criteria: CeGaT Center For Human Genetics Tuebingen Variant Classification Criteria Version 2. Collection method: clinical testing. Allele origin: germline. Affected: yes. Observed: 1 variant allele.
Comment: CFAP410: BP4, BP7

PreventionGenetics, part of Exact Sciences
Classification: Likely benign for CFAP410-related condition. Last evaluated: 2023-06-13. Review status: no assertion criteria provided. Collection method: clinical testing. Allele origin: germline. Not counted in ClinVar's aggregate classification.
Comment: This variant is classified as likely benign based on ACMG/AMP sequence variant interpretation guidelines (Richards et al. 2015 PMID: 25741868, with internal and published modifications).